The following is an entry in ClinVar:

ClinVar aggregate classification (germline): Uncertain significance (1 of 4 stars; one submission).

Conditions:
Curry-Hall syndrome (WAD). Also called: WEYERS ACRODENTAL DYSOSTOSIS. Identifiers: Orphanet 952, MedGen C0457013, MONDO:0008673, OMIM 193530.
Ellis-van Creveld syndrome (EVC). Also called: EVC-Related Ellis-van Creveld Syndrome; EVC2-Related Ellis-van Creveld Syndrome; MESOECTODERMAL DYSPLASIA; Chondroectodermal dysplasia. Identifiers: Orphanet 289, MedGen C0013903, MONDO:0009162, OMIM 225500.

Submission:

Labcorp Genetics (formerly Invitae), Labcorp
Classification: Uncertain significance for Curry-Hall syndrome; Ellis-van Creveld syndrome. Last evaluated: 2025-05-21. Review status: criteria provided, single submitter. Criteria: Invitae Variant Classification Sherloc (09022015). Collection method: clinical testing. Allele origin: germline.
Comment: This sequence change replaces phenylalanine, which is neutral and non-polar, with leucine, which is neutral and non-polar, at codon 880 of the EVC2 protein (p.Phe880Leu). This variant is not present in population databases (gnomAD no frequency). This variant has not been reported in the literature in individuals affected with EVC2-related conditions. An algorithm developed to predict the effect of missense changes on protein structure and function outputs the following: PolyPhen-2: "Benign". The leucine amino acid residue is found in multiple mammalian species, which suggests that this missense change does not adversely affect protein function. In summary, the available evidence is currently insufficient to determine the role of this variant in disease. Therefore, it has been classified as a Variant of Uncertain Significance.

NM_147127.5(EVC2):c.2638T>C (p.Phe880Leu)

Gene: EVC2 (EvC ciliary complex subunit 2; minus strand). Cytogenetic location: 4p16.2.
Variant type: single nucleotide variant.
Coding change: c.2638T>C on transcript NM_147127.5 (MANE Select); coding-DNA position 2638, T replaced by C.
Protein change: p.Phe880Leu; replaces phenylalanine 880 with leucine.
Molecular consequence: missense variant.
Genome position (GRCh38, 1-based): chr4:5,618,546, A>G on the plus strand (T>C on the coding strand, the complement: EVC2 is on the minus strand). VCF-style: chr4-5618546-A-G. GRCh37 (hg19) VCF-style: chr4-5620273-A-G.
Other names: c.2398T>C, p.Phe800Leu (NM_001166136.2); short protein forms F800L, F880L.
Identifiers: ClinVar variation 4785075 (VCV004785075.1).
Genomic context (GRCh38, chr4:5,618,546, plus strand): 5'-CAGGGGCAGCCACGGCCTGGTCCAGCTTCACGAACTCTGCTTCTCGCCACGCAGTCTGAA[A>G]TTGCTGCAGCAGAACTCGGGCCCGGATCTTGGGGAGGGCCAAGCTCCTGTCCATCTGAGC-3'
Protein context (NP_667338.3, residues 870-890): KIRARVLLQQ[Phe880Leu]QTAWREAEFV